The following is an entry in ClinVar:

NM_020812.4(DOCK6):c.2181C>A (p.Phe727Leu)

Gene: DOCK6 (dedicator of cytokinesis 6; minus strand). Cytogenetic location: 19p13.2.
Variant type: single nucleotide variant.
Coding change: c.2181C>A on transcript NM_020812.4 (MANE Select); coding-DNA position 2181, C replaced by A.
Protein change: p.Phe727Leu; replaces phenylalanine 727 with leucine.
Molecular consequence: missense variant.
Genome position (GRCh38, 1-based): chr19:11,236,557, G>T on the plus strand (C>A on the coding strand, the complement: DOCK6 is on the minus strand). VCF-style: chr19-11236557-G-T. GRCh37 (hg19) VCF-style: chr19-11347233-G-T.
Other names: c.2181C>A, p.Phe727Leu (NM_001367830.1); short protein forms F727L.
Identifiers: ClinVar variation 3085065 (VCV003085065.3), dbSNP rs773582745, ClinGen allele CA9207706.

ClinVar aggregate classification (germline): Uncertain significance. Review status: criteria provided, multiple submitters, no conflicts (2 of 4 stars). 2 submissions from 2 submitters: Uncertain significance (2). Last evaluated 2024-11-18.

Conditions:
Inborn genetic diseases. Identifiers: MedGen C0950123, MeSH D030342.

Allele frequency attached by ClinVar (database versions not stated): gnomAD 0.00001; TOPMed 0.00001; gnomAD exomes 0.00002; ExAC 0.00006.
gnomAD v4.1: 33 of 1,595,750 alleles (0.0021%); highest among the groups gnomAD compares: Non-Finnish European, 0.0025%; no homozygotes.

Submissions (2):

Labcorp Genetics (formerly Invitae), Labcorp
Classification: Uncertain significance. Last evaluated: 2024-11-18. Review status: criteria provided, single submitter. Criteria: Invitae Variant Classification Sherloc (09022015). Collection method: clinical testing. Allele origin: germline.
Comment: This sequence change replaces phenylalanine, which is neutral and non-polar, with leucine, which is neutral and non-polar, at codon 727 of the DOCK6 protein (p.Phe727Leu). The frequency data for this variant in the population databases is considered unreliable, as metrics indicate poor data quality at this position in the gnomAD database. This variant has not been reported in the literature in individuals affected with DOCK6-related conditions. ClinVar contains an entry for this variant (Variation ID: 3085065). Invitae Evidence Modeling of protein sequence and biophysical properties (such as structural, functional, and spatial information, amino acid conservation, physicochemical variation, residue mobility, and thermodynamic stability) indicates that this missense variant is expected to disrupt DOCK6 protein function with a positive predictive value of 80%. In summary, the available evidence is currently insufficient to determine the role of this variant in disease. Therefore, it has been classified as a Variant of Uncertain Significance.

Ambry Genetics
Classification: Uncertain significance for Inborn genetic diseases. Last evaluated: 2023-10-16. Review status: criteria provided, single submitter. Criteria: Ambry Variant Classification Scheme 2023. Collection method: clinical testing. Allele origin: germline.